The following is an entry in ClinVar:

ClinVar aggregate classification (germline): Likely pathogenic (1 of 4 stars; one submission).

Conditions:
Coffin-Siris syndrome 1 (CSS1). Also called: ARID1B-Related Coffin-Siris Syndrome; Mental retardation, autosomal dominant 12. Identifiers: Orphanet 1465, MedGen C3281201, MONDO:0007617, OMIM 135900. Disease mechanism: gain of function.

Submission:

3billion
Classification: Likely pathogenic for Coffin-Siris syndrome 1. Last evaluated: 2026-01-26. Review status: criteria provided, single submitter. Criteria: ACMG Guidelines, 2015. Collection method: clinical testing. Allele origin: germline. Affected: yes.
Comment: The variant is not observed in the gnomAD v4.1.0 dataset. Predicted Consequence/Location: Stop-gained (nonsense): predicted to result in a loss or disruption of normal protein function through nonsense-mediated decay (NMD) or protein truncation. Multiple pathogenic variants are reported downstream of the variant. Therefore, this variant is classified as Likely pathogenic according to the recommendation of ACMG/AMP guideline.

NM_001374828.1(ARID1B):c.1698C>G (p.Tyr566Ter)

Gene: ARID1B (AT-rich interaction domain 1B; plus strand). Cytogenetic location: 6q25.3.
Variant type: single nucleotide variant.
Coding change: c.1698C>G on transcript NM_001374828.1 (MANE Select); coding-DNA position 1698, C replaced by G.
Protein change: p.Tyr566Ter; replaces tyrosine 566 with a stop codon.
Molecular consequence: nonsense.
Genome position (GRCh38, 1-based): chr6:156,779,378, C>G. VCF-style: chr6-156779378-C-G. GRCh37 (hg19) VCF-style: chr6-157100512-C-G.
Other names: c.1698C>G, p.Tyr566Ter (NM_001438483.1, NM_001438485.1, NM_001438486.1 and 9 more transcripts); short protein forms Y566*.
Identifiers: ClinVar variation 4854490 (VCV004854490.1).